The following is an entry in ClinVar:

ClinVar aggregate classification (germline): Uncertain significance (1 of 4 stars; one submission).

Conditions:
Isolated microphthalmia 4. Identifiers: Orphanet 2542, MedGen C2751307, MONDO:0013130, OMIM 613094.
Microphthalmia, isolated, with coloboma 6 (MCOPCB6). Also called: MICROPHTHALMIA/COLOBOMA 6; Microphthalmia with coloboma 6, digenic; Microphthalmia with coloboma 6. Identifiers: Orphanet 98938, MedGen C3150968, MONDO:0013376, OMIM 613703.
Leber congenital amaurosis 17 (LCA17). Identifiers: Orphanet 65, MedGen C3715164, MONDO:0014145, OMIM 615360.
Klippel-Feil syndrome 1, autosomal dominant (KFS1). Also called: CERVICAL VERTEBRAL FUSION, AUTOSOMAL DOMINANT. Identifiers: Orphanet 2345, MedGen C1861689, MONDO:0007306, OMIM 118100.

Submission:

Labcorp Genetics (formerly Invitae), Labcorp
Classification: Uncertain significance for Isolated microphthalmia 4; Leber congenital amaurosis 17; Klippel-Feil syndrome 1, autosomal dominant; Microphthalmia, isolated, with coloboma 6. Last evaluated: 2023-11-18. Review status: criteria provided, single submitter. Criteria: Invitae Variant Classification Sherloc (09022015). Collection method: clinical testing. Allele origin: germline.
Comment: This sequence change replaces glutamine, which is neutral and polar, with histidine, which is basic and polar, at codon 285 of the GDF6 protein (p.Gln285His). This variant is not present in population databases (gnomAD no frequency). This variant has not been reported in the literature in individuals affected with GDF6-related conditions. Advanced modeling of protein sequence and biophysical properties (such as structural, functional, and spatial information, amino acid conservation, physicochemical variation, residue mobility, and thermodynamic stability) performed at Invitae indicates that this missense variant is not expected to disrupt GDF6 protein function with a negative predictive value of 80%. In summary, the available evidence is currently insufficient to determine the role of this variant in disease. Therefore, it has been classified as a Variant of Uncertain Significance.

NM_001001557.4(GDF6):c.855G>C (p.Gln285His)

Gene: GDF6 (growth differentiation factor 6; minus strand). Cytogenetic location: 8q22.1.
Variant type: single nucleotide variant.
Coding change: c.855G>C on transcript NM_001001557.4 (MANE Select); coding-DNA position 855, G replaced by C.
Protein change: p.Gln285His; replaces glutamine 285 with histidine.
Molecular consequence: missense variant.
Genome position (GRCh38, 1-based): chr8:96,145,076, C>G on the plus strand (G>C on the coding strand, the complement: GDF6 is on the minus strand). VCF-style: chr8-96145076-C-G. GRCh37 (hg19) VCF-style: chr8-97157304-C-G.
Other names: short protein forms Q285H.
Identifiers: ClinVar variation 2954015 (VCV002954015.3), dbSNP rs2487830221, ClinGen allele CA371751660.